The following is an entry in ClinVar:

ClinVar aggregate classification (germline): Uncertain significance (1 of 4 stars; one submission).

Allele frequency attached by ClinVar (database versions not stated): gnomAD exomes below 0.00001; TOPMed below 0.00001; ExAC 0.00001; gnomAD 0.00001.
gnomAD v4.1: 5 of 1,608,044 alleles (0.00031%); highest among the groups gnomAD compares: Admixed American, 0.005%; no homozygotes.

Submission:

Labcorp Genetics (formerly Invitae), Labcorp
Classification: Uncertain significance. Last evaluated: 2025-01-01. Review status: criteria provided, single submitter. Criteria: Invitae Variant Classification Sherloc (09022015). Collection method: clinical testing. Allele origin: germline.
Comment: This sequence change replaces isoleucine, which is neutral and non-polar, with methionine, which is neutral and non-polar, at codon 1710 of the ANKRD26 protein (p.Ile1710Met). This variant is present in population databases (rs754393445, gnomAD 0.003%). This variant has not been reported in the literature in individuals affected with ANKRD26-related conditions. ClinVar contains an entry for this variant (Variation ID: 2169714). An algorithm developed to predict the effect of missense changes on protein structure and function (PolyPhen-2) suggests that this variant is likely to be disruptive. In summary, the available evidence is currently insufficient to determine the role of this variant in disease. Therefore, it has been classified as a Variant of Uncertain Significance.

NM_014915.3(ANKRD26):c.5130C>G (p.Ile1710Met)

Gene: ANKRD26 (ankyrin repeat domain 26; minus strand). Cytogenetic location: 10p12.1.
Variant type: single nucleotide variant.
Coding change: c.5130C>G on transcript NM_014915.3 (MANE Select); coding-DNA position 5130, C replaced by G.
Protein change: p.Ile1710Met; replaces isoleucine 1710 with methionine.
Molecular consequence: missense variant.
Genome position (GRCh38, 1-based): chr10:27,005,593, G>C on the plus strand (C>G on the coding strand, the complement: ANKRD26 is on the minus strand). VCF-style: chr10-27005593-G-C. GRCh37 (hg19) VCF-style: chr10-27294522-G-C.
Other names: c.5127C>G, p.Ile1709Met (NM_001256053.2); short protein forms I1709M, I1710M.
Identifiers: ClinVar variation 2169714 (VCV002169714.4), dbSNP rs754393445, ClinGen allele CA5447639.